The following is an entry in ClinVar:

NM_014028.4(OSTM1):c.254G>C (p.Arg85Pro)

Gene: OSTM1 (osteoclastogenesis associated transmembrane protein 1; minus strand). Cytogenetic location: 6q21.
Variant type: single nucleotide variant.
Coding change: c.254G>C on transcript NM_014028.4 (MANE Select); coding-DNA position 254, G replaced by C.
Protein change: p.Arg85Pro; replaces arginine 85 with proline.
Molecular consequence: missense variant.
Genome position (GRCh38, 1-based): chr6:108,074,398, C>G on the plus strand (G>C on the coding strand, the complement: OSTM1 is on the minus strand). VCF-style: chr6-108074398-C-G. GRCh37 (hg19) VCF-style: chr6-108395602-C-G.
Other names: c.254G>C (NM_014028.3); short protein forms R85P.
Identifiers: ClinVar variation 1484633 (VCV001484633.6), dbSNP rs898484756, ClinGen allele CA365330729.
Genomic context (GRCh38, chr6:108,074,398, plus strand): 5'-CTGCGCACCAGACACCCTGTCAGCTCTGCGCTGCTGTTGGCGAAGTCCAGCAGGAGCTCC[C>G]GGCACTCAGGATCCAGATCCGGCAGGTCCGGGGGCAGCGACAGAGGCCCCAGCCCTCCAC-3'
Protein context (NP_054747.2, residues 75-95): PDLPDLDPEC[Arg85Pro]ELLLDFANSS

ClinVar aggregate classification (germline): Uncertain significance. Review status: criteria provided, multiple submitters, no conflicts (2 of 4 stars). 2 submissions from 2 submitters: Uncertain significance (2). Last evaluated 2024-10-28.

Conditions:
Inborn genetic diseases. Identifiers: MedGen C0950123, MeSH D030342.

Allele frequency attached by ClinVar (database versions not stated): gnomAD 0.00003.
gnomAD v4.1: 9 of 1,576,136 alleles (0.00057%); highest among the groups gnomAD compares: Admixed American, 0.011%; no homozygotes.

Submissions (2):

Labcorp Genetics (formerly Invitae), Labcorp
Classification: Uncertain significance. Last evaluated: 2024-10-28. Review status: criteria provided, single submitter. Criteria: Invitae Variant Classification Sherloc (09022015). Collection method: clinical testing. Allele origin: germline.
Comment: This sequence change replaces arginine, which is basic and polar, with proline, which is neutral and non-polar, at codon 85 of the OSTM1 protein (p.Arg85Pro). This variant is present in population databases (no rsID available, gnomAD no frequency). This variant has not been reported in the literature in individuals affected with OSTM1-related conditions. ClinVar contains an entry for this variant (Variation ID: 1484633). Invitae Evidence Modeling of protein sequence and biophysical properties (such as structural, functional, and spatial information, amino acid conservation, physicochemical variation, residue mobility, and thermodynamic stability) has been performed for this missense variant. However, the output from this modeling did not meet the statistical confidence thresholds required to predict the impact of this variant on OSTM1 protein function. In summary, the available evidence is currently insufficient to determine the role of this variant in disease. Therefore, it has been classified as a Variant of Uncertain Significance.

Ambry Genetics
Classification: Uncertain significance for Inborn genetic diseases. Last evaluated: 2024-10-25. Review status: criteria provided, single submitter. Criteria: Ambry Variant Classification Scheme 2023. Collection method: clinical testing. Allele origin: germline.